The following is an entry in ClinVar:

NM_001378454.1(ALMS1):c.4477G>T (p.Gly1493Cys)

Gene: ALMS1 (ALMS1 centrosome and basal body associated protein; plus strand). Cytogenetic location: 2p13.1.
Variant type: single nucleotide variant.
Coding change: c.4477G>T on transcript NM_001378454.1 (MANE Select); coding-DNA position 4477, G replaced by T.
Protein change: p.Gly1493Cys; replaces glycine 1493 with cysteine.
Molecular consequence: missense variant.
Genome position (GRCh38, 1-based): chr2:73,451,004, G>T. VCF-style: chr2-73451004-G-T. GRCh37 (hg19) VCF-style: chr2-73678131-G-T.
Other names: c.4480G>T, p.Gly1494Cys (NM_015120.4); short protein forms G1493C, G1494C.
Identifiers: ClinVar variation 4282454 (VCV004282454.1).

ClinVar aggregate classification (germline): Uncertain significance (1 of 4 stars; one submission).

gnomAD v4.1: 2 of 1,612,782 alleles (0.00012%); highest among the groups gnomAD compares: South Asian, 0.0011%; no homozygotes.

Submission:

GeneDx
Classification: Uncertain significance. Last evaluated: 2025-04-08. Review status: criteria provided, single submitter. Criteria: GeneDx Variant Classification Process June 2021. Collection method: clinical testing. Allele origin: germline. Affected: yes.
Comment: Not observed at significant frequency in large population cohorts (gnomAD); In silico analysis indicates that this missense variant does not alter protein structure/function; Has not been previously published as pathogenic or benign to our knowledge